The following is an entry in ClinVar:

NM_002691.4(POLD1):c.967A>C (p.Lys323Gln)

Gene: POLD1 (DNA polymerase delta 1, catalytic subunit; plus strand). Cytogenetic location: 19q13.33.
Variant type: single nucleotide variant.
Coding change: c.967A>C on transcript NM_002691.4 (MANE Select); coding-DNA position 967, A replaced by C.
Protein change: p.Lys323Gln; replaces lysine 323 with glutamine.
Molecular consequence: missense variant. On other transcripts: non-coding transcript variant (1).
Genome position (GRCh38, 1-based): chr19:50,402,738, A>C. VCF-style: chr19-50402738-A-C. GRCh37 (hg19) VCF-style: chr19-50905995-A-C.
Other names: c.967A>C, p.Lys323Gln (NM_001256849.1, NM_001308632.1); short protein forms K323Q.
Identifiers: ClinVar variation 1767752 (VCV001767752.3), dbSNP rs2122261072, ClinGen allele CA406977468.

ClinVar aggregate classification (germline): Uncertain significance. Review status: criteria provided, multiple submitters, no conflicts (2 of 4 stars). 2 submissions from 2 submitters: Uncertain significance (2). Last evaluated 2023-09-13.

Conditions:
Hereditary cancer-predisposing syndrome. Also called: Neoplastic Syndromes, Hereditary; Tumor predisposition; Hereditary neoplastic syndrome; Hereditary Cancer Syndrome. Identifiers: Orphanet 140162, MedGen C0027672, MeSH D009386, MONDO:0015356.
POLD1-related polyposis and colorectal cancer syndrome (CRCS10). Also called: COLORECTAL CANCER, SUSCEPTIBILITY TO, ON CHROMOSOME 19q; Colorectal cancer 10; Colorectal cancer, susceptibility to, 10. Identifiers: Orphanet 220460, MedGen C2675481, MONDO:0012953, OMIM 612591.

Submissions (2):

Baylor Genetics
Classification: Uncertain significance for POLD1-related polyposis and colorectal cancer syndrome. Last evaluated: 2023-09-13. Review status: criteria provided, single submitter. Criteria: ACMG Guidelines, 2015. Collection method: clinical testing. Allele origin: unknown.

Ambry Genetics
Classification: Uncertain significance for Hereditary cancer-predisposing syndrome. Last evaluated: 2022-04-24. Review status: criteria provided, single submitter. Criteria: Ambry Variant Classification Scheme 2023. Collection method: clinical testing. Allele origin: germline.
Comment: The p.K323Q variant (also known as c.967A>C), located in coding exon 7 of the POLD1 gene, results from an A to C substitution at nucleotide position 967. The lysine at codon 323 is replaced by glutamine, an amino acid with similar properties. This amino acid position is conserved. In addition, this alteration is predicted to be tolerated by in silico analysis. Since supporting evidence is limited at this time, the clinical significance of this alteration remains unclear.